The following continues an entry in ClinVar:

NM_001267550.2(TTN):c.104560G>C (p.Val34854Leu)

ClinVar aggregate classification (germline): Conflicting classifications of pathogenicity. Uncertain significance (4); Benign (13); Likely benign (5).

Submissions 21 to 29 of 29:

Biesecker Lab/Clinical Genomics Section, National Institutes of Health
Classification: Benign. Last evaluated: 2013-06-24. Review status: criteria provided, single submitter. Criteria: Ng et al. (Circ Cardiovasc Genet. 2013). Collection method: research. Allele origin: unknown. Observed: 8 variant alleles. Study: ClinSeq.
Comment: The study set was not selected for affection status in relation to any cancer. Pathogenicity categories were based on literature curation. See Pubmed ID:23861362 for details.

Medical sequencing

Ambry Genetics
Classification: Benign for Cardiovascular phenotype. Last evaluated: 2013-01-16. Review status: criteria provided, single submitter. Criteria: Ambry Autosomal Dominant and X-Linked criteria (10/2015). Collection method: clinical testing. Allele origin: germline. Observed: 1 variant allele.

PreventionGenetics, part of Exact Sciences
Classification: Benign for TTN-related condition. Last evaluated: 2019-09-26. Review status: no assertion criteria provided. Collection method: clinical testing. Allele origin: germline. Not counted in ClinVar's aggregate classification.
Comment: This variant is classified as benign based on ACMG/AMP sequence variant interpretation guidelines (Richards et al. 2015 PMID: 25741868, with internal and published modifications).

Clinical Genetics DNA and cytogenetics Diagnostics Lab, Erasmus MC, Erasmus Medical Center
Classification: Benign. Review status: no assertion criteria provided. Collection method: clinical testing. Allele origin: germline. Affected: yes. Study: VKGL Data-share Consensus. Not counted in ClinVar's aggregate classification.

Clinical Genetics, Academic Medical Center
Classification: Benign. Review status: no assertion criteria provided. Collection method: clinical testing. Allele origin: germline. Affected: yes. Study: VKGL Data-share Consensus. Not counted in ClinVar's aggregate classification.

Diagnostic Laboratory, Department of Genetics, University Medical Center Groningen
Classification: Likely benign. Review status: no assertion criteria provided. Collection method: clinical testing. Allele origin: germline. Affected: yes. Study: VKGL Data-share Consensus. Not counted in ClinVar's aggregate classification.

Genome Diagnostics Laboratory, University Medical Center Utrecht
Classification: Benign. Review status: no assertion criteria provided. Collection method: clinical testing. Allele origin: germline. Affected: yes. Study: VKGL Data-share Consensus. Not counted in ClinVar's aggregate classification.

Joint Genome Diagnostic Labs from Nijmegen and Maastricht, Radboudumc and MUMC+
Classification: Benign. Review status: no assertion criteria provided. Collection method: clinical testing. Allele origin: germline. Affected: yes. Study: VKGL Data-share Consensus. Not counted in ClinVar's aggregate classification.

Laboratory of Diagnostic Genome Analysis, Leiden University Medical Center (LUMC)
Classification: Likely benign. Review status: no assertion criteria provided. Collection method: clinical testing. Allele origin: germline. Affected: yes. Study: VKGL Data-share Consensus. Not counted in ClinVar's aggregate classification.

Literature cited by the submitters: PubMed 26516846 (cited by Athena Diagnostics).